The following is an entry in ClinVar:

ClinVar aggregate classification (germline): Likely benign (1 of 4 stars; one submission).

gnomAD v4.1: 11 of 1,614,126 alleles (0.00068%); highest among the groups gnomAD compares: African/African-American, 0.0013%; 1 homozygote.

Submission:

CeGaT Center for Human Genetics Tuebingen
Classification: Likely benign. Last evaluated: 2026-09-01. Review status: criteria provided, single submitter. Criteria: CeGaT Center For Human Genetics Tuebingen Variant Classification Criteria Version 2. Collection method: clinical testing. Allele origin: germline. Affected: yes. Observed: 1 variant allele.
Comment: CCR9: BP4, BP7

NM_031200.3(CCR9):c.213T>C (p.Leu71=)

Genes: CCR9 (C-C motif chemokine receptor 9; plus strand), LZTFL1 (leucine zipper transcription factor like 1; minus strand). Cytogenetic location: 3p21.31.
Variant type: single nucleotide variant.
Coding change: c.213T>C on transcript NM_031200.3 (MANE Select); coding-DNA position 213, T replaced by C.
Protein change: p.Leu71=; no amino-acid change (leucine 71 retained).
Molecular consequence: synonymous variant. On other transcripts: intron variant (8).
Genome position (GRCh38, 1-based): chr3:45,901,001, T>C. VCF-style: chr3-45901001-T-C. GRCh37 (hg19) VCF-style: chr3-45942493-T-C.
Other names: c.177T>C, p.Leu59= (NM_001256369.2, NM_006641.4); c.213T>C, p.Leu71= (NM_001386447.1, NM_001386448.1); c.27+12119A>G (NM_001405925.1, NM_001405920.1, NM_001276379.2 and 1 more transcripts); c.-138+12119A>G (NM_001405927.1, NM_001276378.2); c.-177+12119A>G (NM_001405926.1, NM_001405923.1).
Identifiers: ClinVar variation 5041551 (VCV005041551.1).
Genomic context (GRCh38, chr3:45,901,001, plus strand): 5'-CCCACCCTTGTACTGGCTCGTGTTCATCGTGGGTGCCTTGGGCAACAGTCTTGTTATCCT[T>C]GTCTACTGGTACTGCACAAGAGTGAAGACCATGACCGACATGTTCCTTTTGAATTTGGCA-3'
Protein context (NP_112477.1, residues 61-81): VGALGNSLVI[Leu71=]VYWYCTRVKT